The following is an entry in ClinVar:

ClinVar aggregate classification (germline): Uncertain significance (1 of 4 stars; one submission).

Allele frequency attached by ClinVar (database versions not stated): gnomAD exomes below 0.00001.
gnomAD v4.1: 1 of 1,612,734 alleles (0.000062%); no homozygotes.

Submission:

Labcorp Genetics (formerly Invitae), Labcorp
Classification: Uncertain significance. Last evaluated: 2025-11-24. Review status: criteria provided, single submitter. Criteria: Invitae Variant Classification Sherloc (09022015). Collection method: clinical testing. Allele origin: germline.
Comment: This sequence change replaces arginine, which is basic and polar, with histidine, which is basic and polar, at codon 849 of the RNF31 protein (p.Arg849His). This variant is present in population databases (no rsID available, gnomAD 0.0009%). This variant has not been reported in the literature in individuals affected with RNF31-related conditions. ClinVar contains an entry for this variant (Variation ID: 1418559). An algorithm developed to predict the effect of missense changes on protein structure and function (PolyPhen-2) suggests that this variant is likely to be tolerated. In summary, the available evidence is currently insufficient to determine the role of this variant in disease. Therefore, it has been classified as a Variant of Uncertain Significance.

NM_017999.5(RNF31):c.2546G>A (p.Arg849His)

Gene: RNF31 (ring finger protein 31; plus strand). Cytogenetic location: 14q12.
Variant type: single nucleotide variant.
Coding change: c.2546G>A on transcript NM_017999.5 (MANE Select); coding-DNA position 2546, G replaced by A.
Protein change: p.Arg849His; replaces arginine 849 with histidine.
Molecular consequence: missense variant.
Genome position (GRCh38, 1-based): chr14:24,157,342, G>A. VCF-style: chr14-24157342-G-A. GRCh37 (hg19) VCF-style: chr14-24626551-G-A.
Other names: c.2093G>A, p.Arg698His (NM_001310332.2); short protein forms R698H, R849H.
Identifiers: ClinVar variation 1418559 (VCV001418559.6), dbSNP rs972151680, ClinGen allele CA257873822.